The following is an entry in ClinVar:

ClinVar aggregate classification (germline): Pathogenic (1 of 4 stars; one submission).

Submission:

GeneDx
Classification: Pathogenic. Last evaluated: 2024-03-26. Review status: criteria provided, single submitter. Criteria: GeneDx Variant Classification Process June 2021. Collection method: clinical testing. Allele origin: germline. Affected: yes.
Comment: Frameshift variant predicted to result in protein truncation or nonsense mediated decay in a gene for which loss of function is a known mechanism of disease; Not observed at significant frequency in large population cohorts (gnomAD); Has not been previously published as pathogenic or benign to our knowledge

NM_001356.5(DDX3X):c.1279_1282del (p.Lys427fs)

Gene: DDX3X (DEAD-box helicase 3 X-linked; plus strand). Cytogenetic location: Xp11.4.
Variant type: Deletion.
Coding change: c.1279_1282del on transcript NM_001356.5 (MANE Select); coding-DNA positions 1279 to 1282, 4 bases deleted (AAAC; older notation c.1279_1282delAAAC).
Protein change: p.Lys427fs; shifts the reading frame from lysine 427.
Molecular consequence: frameshift variant. On other transcripts: non-coding transcript variant (1).
Genome position (GRCh38, 1-based): chrX:41,345,512-41,345,515, AAAC deleted; deleting any 4 consecutive bases within chrX:41,345,510-41,345,515 gives the same sequence; the c. name uses the placement nearest the transcript's 3' end. VCF-style (leftmost placement, unchanged base first): chrX-41345509-GACAA-G. GRCh37 (hg19) VCF-style: chrX-41204762-GACAA-G.
Other names: c.1279_1282del, p.Lys427fs (NM_001193416.3); c.1231_1234del, p.Lys411fs (NM_001193417.3); c.721_724del, p.Lys241fs (NM_001363819.1); short protein forms K241fs, K411fs, K427fs.
Identifiers: ClinVar variation 3343813 (VCV003343813.1).
Genomic context (GRCh38, chrX:41,345,509, plus strand): 5'-GGAAGAGTTGGCTCTACCTCTGAAAACATCACACAGAAAGTAGTTTGGGTGGAAGAATCA[GACAA>G]ACGGTCATTTCTGCTTGACCTCCTAAATGCAACAGGTAACATTATGAATTTTTTATTTTA-3'